The following is an entry in ClinVar:

NM_006416.5(SLC35A1):c.1007G>A (p.Gly336Asp)

Gene: SLC35A1 (solute carrier family 35 member A1; plus strand). Cytogenetic location: 6q15.
Variant type: single nucleotide variant.
Coding change: c.1007G>A on transcript NM_006416.5 (MANE Select); coding-DNA position 1007, G replaced by A.
Protein change: p.Gly336Asp; replaces glycine 336 with aspartic acid.
Molecular consequence: missense variant.
Genome position (GRCh38, 1-based): chr6:87,511,519, G>A. VCF-style: chr6-87511519-G-A. GRCh37 (hg19) VCF-style: chr6-88221237-G-A.
Other names: c.1007G>A (NM_006416.4); c.830G>A, p.Gly277Asp (NM_001168398.2); short protein forms G277D, G336D.
Identifiers: ClinVar variation 1401885 (VCV001401885.8), dbSNP rs200065902, ClinGen allele CA3916131.

ClinVar aggregate classification (germline): Uncertain significance. Review status: criteria provided, multiple submitters, no conflicts (2 of 4 stars). 2 submissions from 2 submitters: Uncertain significance (2). Last evaluated 2022-12-15.

Conditions:
Inborn genetic diseases. Identifiers: MedGen C0950123, MeSH D030342.
SLC35A1-congenital disorder of glycosylation. Also called: CONGENITAL DISORDER OF GLYCOSYLATION, TYPE IIf; SLC35A1-CDG; CDG IIf. Identifiers: Orphanet 238459, MedGen C1970344, MONDO:0011342, OMIM 603585.

Allele frequency attached by ClinVar (database versions not stated): gnomAD 0.00004 and 0.00005; TOPMed 0.00006; ExAC 0.00007; gnomAD exomes 0.00009; 1000 Genomes Project 30x 0.00031; 1000 Genomes Project 0.00040.
gnomAD v4.1: 44 of 1,613,944 alleles (0.0027%); highest among the groups gnomAD compares: East Asian, 0.087%; no homozygotes.

Submissions (2):

Ambry Genetics
Classification: Uncertain significance for Inborn genetic diseases. Last evaluated: 2022-12-15. Review status: criteria provided, single submitter. Criteria: Ambry Variant Classification Scheme 2023. Collection method: clinical testing. Allele origin: germline.

Labcorp Genetics (formerly Invitae), Labcorp
Classification: Uncertain significance for SLC35A1-congenital disorder of glycosylation. Last evaluated: 2021-06-30. Review status: criteria provided, single submitter. Criteria: Invitae Variant Classification Sherloc (09022015). Collection method: clinical testing. Allele origin: germline.
Comment: In summary, the available evidence is currently insufficient to determine the role of this variant in disease. Therefore, it has been classified as a Variant of Uncertain Significance. Algorithms developed to predict the effect of missense changes on protein structure and function (SIFT, PolyPhen-2, Align-GVGD) all suggest that this variant is likely to be tolerated, but these predictions have not been confirmed by published functional studies and their clinical significance is uncertain. This variant has not been reported in the literature in individuals with SLC35A1-related conditions. This variant is present in population databases (rs200065902, ExAC 0.1%). This sequence change replaces glycine with aspartic acid at codon 336 of the SLC35A1 protein (p.Gly336Asp). The glycine residue is moderately conserved and there is a moderate physicochemical difference between glycine and aspartic acid.